The following is an entry in ClinVar:

NM_032776.3(JMJD1C):c.5062A>G (p.Ser1688Gly)

Gene: JMJD1C (jumonji domain containing 1C; minus strand). Cytogenetic location: 10q21.3.
Variant type: single nucleotide variant.
Coding change: c.5062A>G on transcript NM_032776.3 (MANE Select); coding-DNA position 5062, A replaced by G.
Protein change: p.Ser1688Gly; replaces serine 1688 with glycine.
Molecular consequence: missense variant. On other transcripts: non-coding transcript variant (1).
Genome position (GRCh38, 1-based): chr10:63,206,607, T>C on the plus strand (A>G on the coding strand, the complement: JMJD1C is on the minus strand). VCF-style: chr10-63206607-T-C. GRCh37 (hg19) VCF-style: chr10-64966367-T-C.
Other names: c.4516A>G, p.Ser1506Gly (NM_001282948.2, NM_001318154.2); c.4198A>G, p.Ser1400Gly (NM_001318153.2); c.4948A>G, p.Ser1650Gly (NM_001322252.2); c.4405A>G, p.Ser1469Gly (NM_001322254.2, NM_001322258.2); short protein forms S1469G, S1688G, S1506G, S1650G, S1400G.
Identifiers: ClinVar variation 1047009 (VCV001047009.8), dbSNP rs1011744561, ClinGen allele CA208371152.

ClinVar aggregate classification (germline): Uncertain significance (1 of 4 stars; one submission).

Conditions:
Early Myoclonic Encephalopathy. Identifiers: MedGen C0270855.

Allele frequency attached by ClinVar (database versions not stated): gnomAD exomes 0.00002 and below 0.00001; TOPMed 0.00001.
gnomAD v4.1: 25 of 1,590,236 alleles (0.0016%); highest among the groups gnomAD compares: Non-Finnish European, 0.002%; no homozygotes.

Submission:

Labcorp Genetics (formerly Invitae), Labcorp
Classification: Uncertain significance for Early Myoclonic Encephalopathy. Last evaluated: 2022-09-13. Review status: criteria provided, single submitter. Criteria: Invitae Variant Classification Sherloc (09022015). Collection method: clinical testing. Allele origin: germline.
Comment: This sequence change replaces serine, which is neutral and polar, with glycine, which is neutral and non-polar, at codon 1688 of the JMJD1C protein (p.Ser1688Gly). This variant is present in population databases (no rsID available, gnomAD 0.001%). This variant has not been reported in the literature in individuals affected with JMJD1C-related conditions. ClinVar contains an entry for this variant (Variation ID: 1047009). Advanced modeling of protein sequence and biophysical properties (such as structural, functional, and spatial information, amino acid conservation, physicochemical variation, residue mobility, and thermodynamic stability) performed at Invitae indicates that this missense variant is expected to disrupt JMJD1C protein function. In summary, the available evidence is currently insufficient to determine the role of this variant in disease. Therefore, it has been classified as a Variant of Uncertain Significance.